The following is an entry in ClinVar:

NM_021096.4(CACNA1I):c.2672T>A (p.Leu891His)

Gene: CACNA1I (calcium voltage-gated channel subunit alpha1 I; plus strand). Cytogenetic location: 22q13.1.
Variant type: single nucleotide variant.
Coding change: c.2672T>A on transcript NM_021096.4 (MANE Select); coding-DNA position 2672, T replaced by A.
Protein change: p.Leu891His; replaces leucine 891 with histidine.
Molecular consequence: missense variant.
Genome position (GRCh38, 1-based): chr22:39,660,411, T>A. VCF-style: chr22-39660411-T-A. GRCh37 (hg19) VCF-style: chr22-40056416-T-A.
Other names: c.2567T>A, p.Leu856His (NM_001003406.2); short protein forms L856H, L891H.
Identifiers: ClinVar variation 4883807 (VCV004883807.2).

ClinVar aggregate classification (germline): Uncertain significance (1 of 4 stars; one submission).

Conditions:
Neurodevelopmental disorder with speech impairment and with or without seizures. Also called: Neurodevelopmental disorder with variable intellectual disability and speech impairment, with or without seizures. Identifiers: MedGen C5774252, MONDO:0859313, OMIM 620114.

gnomAD v4.1: 1 of 1,612,274 alleles (0.000062%); no homozygotes.

Submission:

Dasa
Classification: Uncertain significance for neurodevelopmental disorder with speech impairment and with or without seizures. Last evaluated: 2024-10-07. Review status: criteria provided, single submitter. Criteria: DASA Assertion Criteria. Collection method: clinical testing. Allele origin: germline.
Comment: NM_021096.4(CACNA1I):c.2672T>A (p.Leu891His) is a missense variant that results in the substitution of leucine with histidine. This variant is rare in population databases. Computational prediction algorithms are consistent with a benign effect. The currently available literature and clinical evidence are not sufficient to establish a definitive association between this variant and the reported condition. Therefore, this variant is classified as a variant of uncertain significance.